The following is an entry in ClinVar:

ClinVar aggregate classification (germline): Uncertain significance. Review status: criteria provided, multiple submitters, no conflicts (2 of 4 stars). 3 submissions from 3 submitters: Uncertain significance (2). 1 of the submissions does not count toward it. Last evaluated 2026-01-18.

Conditions:
Glucose-6-phosphate transport defect (GSD1B). Also called: Glycogen Storage Disease Type Ib; GSD Ib. Identifiers: Orphanet 364, Orphanet 79259, MedGen C0268146, MONDO:0009288, OMIM 232220.
Congenital disorder of glycosylation, type IIw. Identifiers: MedGen C5561986, MONDO:0030437, OMIM 619525.
Phosphate transport defect (GSD1C). Also called: GSD Ic; GLYCOGEN STORAGE DISEASE Ic. Identifiers: Orphanet 364, Orphanet 79259, MedGen C0342749, OMIM 232240.

Allele frequency attached by ClinVar (database versions not stated): ExAC 0.00002; 1000 Genomes Project 30x 0.00016; 1000 Genomes Project 0.00020.

Submissions (3):

Labcorp Genetics (formerly Invitae), Labcorp
Classification: Uncertain significance for Glucose-6-phosphate transport defect. Last evaluated: 2026-01-18. Review status: criteria provided, single submitter. Criteria: Invitae Variant Classification Sherloc (09022015). Collection method: clinical testing. Allele origin: germline.
Comment: This sequence change replaces histidine, which is basic and polar, with aspartic acid, which is acidic and polar, at codon 301 of the SLC37A4 protein (p.His301Asp). The frequency data for this variant in the population databases is considered unreliable, as metrics indicate poor data quality at this position in the gnomAD database. This variant has not been reported in the literature in individuals affected with SLC37A4-related conditions. ClinVar contains an entry for this variant (Variation ID: 550621). Invitae Evidence Modeling of protein sequence and biophysical properties (such as structural, functional, and spatial information, amino acid conservation, physicochemical variation, residue mobility, and thermodynamic stability) has been performed for this missense variant. However, the output from this modeling did not meet the statistical confidence thresholds required to predict the impact of this variant on SLC37A4 protein function. In summary, the available evidence is currently insufficient to determine the role of this variant in disease. Therefore, it has been classified as a Variant of Uncertain Significance.

Fulgent Genetics
Classification: Uncertain significance for Glucose-6-phosphate transport defect; Phosphate transport defect; Congenital disorder of glycosylation, type IIw. Last evaluated: 2021-11-18. Review status: criteria provided, single submitter. Criteria: ACMG Guidelines, 2015. Collection method: clinical testing. Allele origin: unknown.

Counsyl
Classification: Uncertain significance for Glucose-6-phosphate transport defect. Last evaluated: 2017-02-14. Review status: no assertion criteria provided. Collection method: clinical testing. Allele origin: unknown. Not counted in ClinVar's aggregate classification.

NM_001164277.2(SLC37A4):c.901C>G (p.His301Asp)

Gene: SLC37A4 (solute carrier family 37 member 4; minus strand). Cytogenetic location: 11q23.3.
Variant type: single nucleotide variant.
Coding change: c.901C>G on transcript NM_001164277.2 (MANE Select); coding-DNA position 901, C replaced by G.
Protein change: p.His301Asp; replaces histidine 301 with aspartic acid.
Molecular consequence: missense variant.
Genome position (GRCh38, 1-based): chr11:119,026,050, G>C on the plus strand (C>G on the coding strand, the complement: SLC37A4 is on the minus strand). VCF-style: chr11-119026050-G-C. GRCh37 (hg19) VCF-style: chr11-118896760-G-C.
Other names: c.901C>G, p.His301Asp (NM_001164278.2, NM_001164280.2, NM_001467.6); c.682C>G, p.His228Asp (NM_001164279.2); short protein forms H301D, H228D.
Identifiers: ClinVar variation 550621 (VCV000550621.7), dbSNP rs539911116, ClinGen allele CA6311692.
Genomic context (GRCh38, chr11:119,026,050, plus strand): 5'-TTACCCGGAAGAGGTACATGGACACTGTCATGCCAGCCATCATGAACAGCAACAGGCCAT[G>C]GCGAGGGTTCCCGTAGTTGGACAGTCCCGCCTATGGATACAGTCCCGGCAATGTCACGTC-3'
Protein context (NP_001157749.1, residues 291-311): AGLSNYGNPR[His301Asp]GLLLFMMAGM